The following is an entry in ClinVar:

ClinVar aggregate classification (germline): Likely benign. Review status: criteria provided, multiple submitters, no conflicts (2 of 4 stars). 2 submissions from 2 submitters: Likely benign (2). Last evaluated 2024-03-01.

Allele frequency attached by ClinVar (database versions not stated): gnomAD exomes below 0.00001 and 0.00001; TOPMed below 0.00001; gnomAD 0.00001.
gnomAD v4.1: 13 of 1,614,028 alleles (0.00081%); highest among the groups gnomAD compares: Middle Eastern, 0.033%; no homozygotes.

Submissions (2):

Blueprint Genetics
Classification: Likely benign. Last evaluated: 2024-03-01. Review status: criteria provided, single submitter. Criteria: ACMG Guidelines, 2015. Collection method: clinical testing. Allele origin: germline.

GeneDx
Classification: Likely benign. Last evaluated: 2016-10-14. Review status: criteria provided, single submitter. Criteria: GeneDx Variant Classification (06012015). Collection method: clinical testing. Allele origin: germline. Affected: yes.
Comment: This variant is considered likely benign or benign based on one or more of the following criteria: it is a conservative change, it occurs at a poorly conserved position in the protein, it is predicted to be benign by multiple in silico algorithms, and/or has population frequency not consistent with disease.

NM_201596.3(CACNB2):c.1489-12T>G

Gene: CACNB2 (calcium voltage-gated channel auxiliary subunit beta 2; plus strand). Cytogenetic location: 10p12.31.
Variant type: single nucleotide variant.
Coding change: c.1489-12T>G on transcript NM_201596.3 (MANE Select); 12 bases into the intron before coding-DNA position 1489, T replaced by G.
Molecular consequence: intron variant.
Genome position (GRCh38, 1-based): chr10:18,539,218, T>G. VCF-style: chr10-18539218-T-G. GRCh37 (hg19) VCF-style: chr10-18828147-T-G.
Other names: c.1405-12T>G (NM_201571.4); c.1291-12T>G (NM_001167945.2); c.1333-12T>G (NM_201572.4); c.1375-12T>G (NM_201593.3); c.1417-12T>G (NM_201597.3); c.1324-12T>G (NM_000724.4); c.1210-12T>G (NM_001330060.2); c.1327-12T>G (NM_201590.3); and 1 more.
Identifiers: ClinVar variation 390022 (VCV000390022.2), dbSNP rs371134499, ClinGen allele CA16605623.